The following is an entry in ClinVar:

ClinVar aggregate classification (germline): Likely benign (1 of 4 stars; one submission).

Conditions:
Colorectal cancer, susceptibility to, 1. Also called: COLORECTAL ADENOMA AND CANCER, SUSCEPTIBILITY TO; COLORECTAL CANCER, SUSCEPTIBILITY TO, ON CHROMOSOME 9. Identifiers: MedGen C1837315, MONDO:0012132, OMIM 608812.

Submission:

Myriad Genetics, Inc.
Classification: Likely benign for Colorectal cancer, susceptibility to, 1. Last evaluated: 2026-04-21. Review status: criteria provided, single submitter. Criteria: Myriad Autosomal Dominant, Autosomal Recessive and X-Linked Classification Criteria (2023). Collection method: clinical testing. Allele origin: unknown.
Comment: This variant is considered likely benign. This variant is intronic and is not expected to impact mRNA splicing.

NM_024642.5(GALNT12):c.732-14T>C

Gene: GALNT12 (polypeptide N-acetylgalactosaminyltransferase 12; plus strand). Cytogenetic location: 9q22.33.
Variant type: single nucleotide variant.
Coding change: c.732-14T>C on transcript NM_024642.5 (MANE Select); 14 bases into the intron before coding-DNA position 732, T replaced by C.
Molecular consequence: intron variant.
Genome position (GRCh38, 1-based): chr9:98,831,758, T>C. VCF-style: chr9-98831758-T-C. GRCh37 (hg19) VCF-style: chr9-101594040-T-C.
Identifiers: ClinVar variation 4876128 (VCV004876128.1).